The following is an entry in ClinVar:

NM_004523.4(KIF11):c.3126G>C (p.Leu1042Phe)

Gene: KIF11 (kinesin family member 11; plus strand). Cytogenetic location: 10q23.33.
Variant type: single nucleotide variant.
Coding change: c.3126G>C on transcript NM_004523.4 (MANE Select); coding-DNA position 3126, G replaced by C.
Protein change: p.Leu1042Phe; replaces leucine 1042 with phenylalanine.
Molecular consequence: missense variant.
Genome position (GRCh38, 1-based): chr10:92,653,751, G>C. VCF-style: chr10-92653751-G-C. GRCh37 (hg19) VCF-style: chr10-94413508-G-C.
Other names: short protein forms L1042F.
Identifiers: ClinVar variation 235554 (VCV000235554.20), dbSNP rs34417963, ClinGen allele CA5604557.

ClinVar aggregate classification (germline): Benign/Likely benign. Review status: criteria provided, multiple submitters, no conflicts (2 of 4 stars). 7 submissions from 7 submitters: Benign (2); Likely benign (3). 2 of the submissions do not count toward it. Last evaluated 2026-01-26.

Conditions:
Microcephaly with or without chorioretinopathy, lymphedema, or impaired intellectual development. Also called: MICROCEPHALY AND CHORIORETINOPATHY WITH OR WITHOUT MENTAL RETARDATION, AUTOSOMAL DOMINANT; Microcephaly with or without chorioretinopathy, lymphedema, or intellectual disability; MICROCEPHALY, LYMPHEDEMA, CHORIORETINAL DYSPLASIA SYNDROME; Microcephaly with or without chorioretinopathy, lymphedema, or mental retardation; Microcephaly lymphedema chorioretinal dysplasia. Identifiers: Orphanet 2526, MedGen C1835265, MONDO:0007918, OMIM 152950.

Allele frequency attached by ClinVar (database versions not stated): gnomAD exomes 0.00352; ExAC 0.00443; gnomAD 0.01318 and 0.01412; ESP Exome Variant Server 0.01346; TOPMed 0.01394; 1000 Genomes Project 0.01518; 1000 Genomes Project 30x 0.01546.
gnomAD v4.1: 4,131 of 1,613,806 alleles (0.26%); highest among the groups gnomAD compares: African/African-American, 4.5%; 87 homozygotes.

Submissions (7):

Labcorp Genetics (formerly Invitae), Labcorp
Classification: Benign. Last evaluated: 2026-01-26. Review status: criteria provided, single submitter. Criteria: Invitae Variant Classification Sherloc (09022015). Collection method: clinical testing. Allele origin: germline.

GeneDx
Classification: Likely benign. Last evaluated: 2022-12-10. Review status: criteria provided, single submitter. Criteria: GeneDx Variant Classification Process June 2021. Collection method: clinical testing. Allele origin: germline. Affected: yes.
Comment: See Variant Classification Assertion Criteria.

Fulgent Genetics
Classification: Likely benign for Microcephaly with or without chorioretinopathy, lymphedema, or impaired intellectual development. Last evaluated: 2021-07-20. Review status: criteria provided, single submitter. Criteria: ACMG Guidelines, 2015. Collection method: clinical testing. Allele origin: unknown.

Center for Pediatric Genomic Medicine, Children's Mercy Hospital and Clinics
Classification: Benign. Last evaluated: 2015-10-28. Review status: criteria provided, single submitter. Criteria: ACMG Guidelines, 2015. Collection method: clinical testing. Allele origin: germline.

Breakthrough Genomics
Classification: Likely benign. Review status: criteria provided, single submitter. Criteria: ACMG Guidelines, 2015. Collection method: not provided. Allele origin: germline. Inheritance: Autosomal dominant inheritance. Affected: yes.

Clinical Genetics, Academic Medical Center
Classification: Benign. Review status: no assertion criteria provided. Collection method: clinical testing. Allele origin: germline. Affected: yes. Study: VKGL Data-share Consensus. Not counted in ClinVar's aggregate classification.

Laboratory of Diagnostic Genome Analysis, Leiden University Medical Center (LUMC)
Classification: Likely benign. Review status: no assertion criteria provided. Collection method: clinical testing. Allele origin: germline. Affected: yes. Study: VKGL Data-share Consensus. Not counted in ClinVar's aggregate classification.